The following is an entry in ClinVar:

NM_000548.5(TSC2):c.431A>G (p.Lys144Arg)

Gene: TSC2 (TSC complex subunit 2; plus strand). Cytogenetic location: 16p13.3.
Variant type: single nucleotide variant.
Coding change: c.431A>G on transcript NM_000548.5 (MANE Select); coding-DNA position 431, A replaced by G.
Protein change: p.Lys144Arg; replaces lysine 144 with arginine.
Molecular consequence: missense variant. On other transcripts: intron variant (1).
Genome position (GRCh38, 1-based): chr16:2,054,390, A>G. VCF-style: chr16-2054390-A-G. GRCh37 (hg19) VCF-style: chr16-2104391-A-G.
Other names: p.K144R:AAG>AGG; c.431A>G, p.Lys144Arg (NM_001077183.3, NM_001114382.3, NM_001363528.2 and 3 more transcripts); c.320A>G, p.Lys107Arg (NM_001318827.2); c.284A>G, p.Lys95Arg (NM_001318829.2); c.464A>G, p.Lys155Arg (NM_001318832.2); c.-1-1806A>G (NM_001318831.2); short protein forms K144R, K95R, K155R, K107R.
Identifiers: ClinVar variation 207700 (VCV000207700.19), dbSNP rs769286175, ClinGen allele CA050850.
Genomic context (GRCh38, chr16:2,054,390, plus strand): 5'-TTAAGGTCATCAAGGATTACCCTTCCAACGAAGACCTTCACGAAAGGCTGGAGGTTTTCA[A>G]GGCCCTCACAGACAATGGGAGACACATCACCTACTTGGAGGAAGAGCTGGGTGGGTGCCA-3'
Protein context (NP_000539.2, residues 134-154): EDLHERLEVF[Lys144Arg]ALTDNGRHIT

ClinVar aggregate classification (germline): Conflicting classifications of pathogenicity. Review status: criteria provided, conflicting classifications (1 of 4 stars). 6 submissions from 6 submitters: Uncertain significance (3); Benign (2); Likely benign (1). Last evaluated 2025-11-04.

Conditions:
Hereditary cancer-predisposing syndrome. Also called: Neoplastic Syndromes, Hereditary; Hereditary Cancer Syndrome; Tumor predisposition; Hereditary neoplastic syndrome. Identifiers: Orphanet 140162, MedGen C0027672, MeSH D009386, MONDO:0015356.
Tuberous sclerosis syndrome (TSC). Also called: Tuberous Sclerosis Complex; Tuberous sclerosis. Identifiers: Orphanet 805, MedGen C0041341, MONDO:0001734.
Tuberous sclerosis 2 (TSC2). Identifiers: Orphanet 805, MedGen C1860707, MONDO:0013199, OMIM 613254.

Allele frequency attached by ClinVar (database versions not stated): gnomAD exomes 0.00003 and 0.00002; ExAC 0.00004; TOPMed below 0.00001.
gnomAD v4.1: 9 of 1,614,240 alleles (0.00056%); highest among the groups gnomAD compares: Admixed American, 0.0033%; no homozygotes.

Submissions (6):

Labcorp Genetics (formerly Invitae), Labcorp
Classification: Benign for Tuberous sclerosis 2. Last evaluated: 2025-11-04. Review status: criteria provided, single submitter. Criteria: Invitae Variant Classification Sherloc (09022015). Collection method: clinical testing. Allele origin: germline.

Ambry Genetics
Classification: Uncertain significance for Hereditary cancer-predisposing syndrome. Last evaluated: 2025-03-03. Review status: criteria provided, single submitter. Criteria: Ambry Variant Classification Scheme 2023. Collection method: clinical testing. Allele origin: germline.
Comment: The p.K144R variant (also known as c.431A>G), located in coding exon 4 of the TSC2 gene, results from an A to G substitution at nucleotide position 431. The lysine at codon 144 is replaced by arginine, an amino acid with highly similar properties. This variant has been detected in multiple individuals with no reported features of tuberous sclerosis complex (Ambry internal data). This amino acid position is highly conserved in available vertebrate species. In addition, the in silico prediction for this alteration is inconclusive. Based on the available evidence, the clinical significance of this variant remains unclear.

Quest Diagnostics Nichols Institute San Juan Capistrano
Classification: Uncertain significance. Last evaluated: 2024-12-23. Review status: criteria provided, single submitter. Criteria: Quest Diagnostics criteria. Collection method: clinical testing. Allele origin: unknown.

All of Us Research Program, National Institutes of Health
Classification: Uncertain significance for Tuberous sclerosis syndrome. Last evaluated: 2023-05-04. Review status: criteria provided, single submitter. Criteria: ACMG Guidelines, 2015. Collection method: clinical testing. Allele origin: germline. Inheritance: Autosomal dominant inheritance. Observed: 1 variant allele, 1 heterozygote.
Comment: This missense variant replaces lysine with arginine at codon 144 of the TSC2 protein. Computational prediction is inconclusive regarding the impact of this variant on protein structure and function (internally defined REVEL score threshold 0.5 < inconclusive < 0.7, PMID: 27666373). To our knowledge, functional studies have not been reported for this variant. This variant has not been reported in individuals affected with tuberous sclerosis complex in the literature. This variant has been identified in 7/251488 chromosomes in the general population by the Genome Aggregation Database (gnomAD). The available evidence is insufficient to determine the role of this variant in disease conclusively. Therefore, this variant is classified as a Variant of Uncertain Significance.

This study involves interpretation of variants in research participants for the purpose of population health screening. Participant phenotype was not available at the time of variant classification. Additional details can be found in publication PMID: 35346344, PMCID: PMC8962531

Genome-Nilou Lab
Classification: Benign for Tuberous sclerosis 2. Last evaluated: 2021-11-07. Review status: criteria provided, single submitter. Criteria: ACMG Guidelines, 2015. Collection method: clinical testing. Allele origin: germline. Affected: no.

GeneDx
Classification: Likely benign. Last evaluated: 2017-11-17. Review status: criteria provided, single submitter. Criteria: GeneDx Variant Classification (06012015). Collection method: clinical testing. Allele origin: germline. Affected: yes.
Comment: This variant is considered likely benign or benign based on one or more of the following criteria: it is a conservative change, it occurs at a poorly conserved position in the protein, it is predicted to be benign by multiple in silico algorithms, and/or has population frequency not consistent with disease.